The following is an entry in ClinVar:

NM_144997.7(FLCN):c.524T>G (p.Ile175Ser)

Gene: FLCN (folliculin; minus strand). Cytogenetic location: 17p11.2.
Variant type: single nucleotide variant.
Coding change: c.524T>G on transcript NM_144997.7 (MANE Select); coding-DNA position 524, T replaced by G.
Protein change: p.Ile175Ser; replaces isoleucine 175 with serine.
Molecular consequence: missense variant.
Genome position (GRCh38, 1-based): chr17:17,224,016, A>C on the plus strand (T>G on the coding strand, the complement: FLCN is on the minus strand). VCF-style: chr17-17224016-A-C. GRCh37 (hg19) VCF-style: chr17-17127330-A-C.
Other names: c.578T>G, p.Ile193Ser (NM_001353229.2); c.524T>G, p.Ile175Ser (NM_001353230.2, NM_001353231.2, NM_144606.7); short protein forms I175S, I193S.
Identifiers: ClinVar variation 4742370 (VCV004742370.1).

ClinVar aggregate classification (germline): Uncertain significance (1 of 4 stars; one submission).

Conditions:
Birt-Hogg-Dube syndrome. Also called: Birt Hogg Dubé syndrome. Identifiers: Orphanet 122, MedGen C0346010, MONDO:0800444.

Submission:

Labcorp Genetics (formerly Invitae), Labcorp
Classification: Uncertain significance for Birt-Hogg-Dube syndrome. Last evaluated: 2025-08-03. Review status: criteria provided, single submitter. Criteria: Invitae Variant Classification Sherloc (09022015). Collection method: clinical testing. Allele origin: germline.
Comment: This sequence change replaces isoleucine, which is neutral and non-polar, with serine, which is neutral and polar, at codon 175 of the FLCN protein (p.Ile175Ser). This variant is not present in population databases (gnomAD no frequency). This variant has not been reported in the literature in individuals affected with FLCN-related conditions. Invitae Evidence Modeling of protein sequence and biophysical properties (such as structural, functional, and spatial information, amino acid conservation, physicochemical variation, residue mobility, and thermodynamic stability) indicates that this missense variant is not expected to disrupt FLCN protein function with a negative predictive value of 80%. In summary, the available evidence is currently insufficient to determine the role of this variant in disease. Therefore, it has been classified as a Variant of Uncertain Significance.